The following is an entry in ClinVar:

ClinVar aggregate classification (germline): Likely pathogenic (1 of 4 stars; one submission).

Conditions:
Hereditary cancer-predisposing syndrome. Also called: Hereditary Cancer Syndrome; Neoplastic Syndromes, Hereditary; Hereditary neoplastic syndrome; Tumor predisposition. Identifiers: Orphanet 140162, MedGen C0027672, MeSH D009386, MONDO:0015356.

Submission:

Ambry Genetics
Classification: Likely pathogenic for Hereditary cancer-predisposing syndrome. Last evaluated: 2013-12-11. Review status: criteria provided, single submitter. Criteria: Ambry Autosomal Dominant and X-Linked criteria (10/2015). Collection method: clinical testing. Allele origin: germline. Observed: 1 variant allele.
Comment: Ã¢â‚¬â€¹The c.863-2A>G intronic variant results from an A to G substitution two nucleotides before coding exon 7 of the STK11 gene. This variant was not reported in population-based cohorts in the following databases: Database of Single Nucleotide Polymorphisms (dbSNP), NHLBI Exome Sequencing Project (ESP) and 1000 Genomes Project. Based on nucleotide sequence alignment, this position is highly conserved in available vertebrate species. Using the BDGP and ESEfinder splice site prediction tools, this alteration is predicted to abolish the native splice acceptor site; however, direct evidence is unavailable. Alterations that disrupt the canonical splice acceptor site are typically deleterious in nature (ACMG Recommendations for Standards for Interpretation and Reporting of Sequence Variations. Revision 2007. Genet Med. 2008;10:294). As such, the c.863-2A>G variant is classified as likely pathogenic.

NM_000455.5(STK11):c.863-2A>G

Gene: STK11 (serine/threonine kinase 11; plus strand). Cytogenetic location: 19p13.3.
Variant type: single nucleotide variant.
Coding change: c.863-2A>G on transcript NM_000455.5 (MANE Select); the canonical splice acceptor site of the intron before coding-DNA position 863, A replaced by G.
Molecular consequence: splice acceptor variant.
Genome position (GRCh38, 1-based): chr19:1,221,947, A>G. VCF-style: chr19-1221947-A-G. GRCh37 (hg19) VCF-style: chr19-1221946-A-G.
Other names: c.863-2A>G (NM_001407255.1).
Identifiers: ClinVar variation 428780 (VCV000428780.3), dbSNP rs1131690944, ClinGen allele CA402951135.